The following is an entry in ClinVar:

ClinVar aggregate classification (germline): Benign/Likely benign. Review status: criteria provided, multiple submitters, no conflicts (2 of 4 stars). 3 submissions from 3 submitters: Benign (2); Likely benign (1). Last evaluated 2026-02-02.

Conditions:
Severe combined immunodeficiency due to DNA-PKcs deficiency. Also called: Immunodeficiency 26 with or without neurologic abnormalities; IMMUNODEFICIENCY 26 WITH NEUROLOGIC ABNORMALITIES. Identifiers: Orphanet 317425, MedGen C4014833, MONDO:0014423, OMIM 615966.

Allele frequency attached by ClinVar (database versions not stated): 1000 Genomes Project 0.00559; 1000 Genomes Project 30x 0.00562; TOPMed 0.00980; gnomAD exomes 0.01153 and 0.01497; ExAC 0.01171; gnomAD 0.01210 and 0.01254; ESP Exome Variant Server 0.01406.
gnomAD v4.1: 23,615 of 1,613,624 alleles (1.5%); highest among the groups gnomAD compares: Non-Finnish European, 1.7%; 230 homozygotes.

Submissions (3):

Labcorp Genetics (formerly Invitae), Labcorp
Classification: Benign for Severe combined immunodeficiency due to DNA-PKcs deficiency. Last evaluated: 2026-02-02. Review status: criteria provided, single submitter. Criteria: Invitae Variant Classification Sherloc (09022015). Collection method: clinical testing. Allele origin: germline.

ARUP Laboratories, Molecular Genetics and Genomics, ARUP Laboratories
Classification: Benign for Severe combined immunodeficiency due to DNA-PKcs deficiency. Last evaluated: 2021-02-05. Review status: criteria provided, single submitter. Criteria: ARUP Molecular Germline Variant Investigation Process 2021. Collection method: clinical testing. Allele origin: germline.

GeneDx
Classification: Likely benign. Last evaluated: 2018-02-12. Review status: criteria provided, single submitter. Criteria: GeneDx Variant Classification (06012015). Collection method: clinical testing. Allele origin: germline. Affected: yes.
Comment: This variant is considered likely benign or benign based on one or more of the following criteria: it is a conservative change, it occurs at a poorly conserved position in the protein, it is predicted to be benign by multiple in silico algorithms, and/or has population frequency not consistent with disease.

NM_006904.7(PRKDC):c.10211G>A (p.Gly3404Glu)

Gene: PRKDC (protein kinase, DNA-activated, catalytic subunit; minus strand). Cytogenetic location: 8q11.21.
Variant type: single nucleotide variant.
Coding change: c.10211G>A on transcript NM_006904.7 (MANE Select); coding-DNA position 10211, G replaced by A.
Protein change: p.Gly3404Glu; replaces glycine 3404 with glutamic acid.
Molecular consequence: missense variant.
Genome position (GRCh38, 1-based): chr8:47,799,296, C>T on the plus strand (G>A on the coding strand, the complement: PRKDC is on the minus strand). VCF-style: chr8-47799296-C-T. GRCh37 (hg19) VCF-style: chr8-48711857-C-T.
Other names: c.10211G>A, p.Gly3404Glu (NM_001081640.2); short protein forms G3404E.
Identifiers: ClinVar variation 379650 (VCV000379650.18), dbSNP rs8178225, ClinGen allele CA4739375.